The following is an entry in ClinVar:

ClinVar aggregate classification (germline): Conflicting classifications of pathogenicity. Review status: criteria provided, conflicting classifications (1 of 4 stars). 5 submissions from 5 submitters: Uncertain significance (4); Likely benign (1). Last evaluated 2026-01-27.

Conditions:
FLNC-related disorder. Also called: FLNC-related condition; FLNC-related disorders.
Cardiovascular phenotype. Identifiers: MedGen CN230736.
Hypertrophic cardiomyopathy 26. Also called: Cardiomyopathy, familial hypertrophic, 26. Identifiers: Orphanet 75249, MedGen C4310749, MONDO:0014883, OMIM 617047.
Myofibrillar myopathy 5. Also called: Filaminopathy (type); FILAMINOPATHY, AUTOSOMAL DOMINANT. Identifiers: Orphanet 171445, MedGen C1836050, MONDO:0012289, OMIM 609524.
Distal myopathy with posterior leg and anterior hand involvement. Also called: WILLIAMS DISTAL MYOPATHY. Identifiers: Orphanet 63273, MedGen C3279722, MONDO:0013550, OMIM 614065.

Allele frequency attached by ClinVar (database versions not stated): TOPMed 0.00002.
gnomAD v4.1: 11 of 1,614,070 alleles (0.00068%); highest among the groups gnomAD compares: Admixed American, 0.015%; no homozygotes.

Submissions (5):

Labcorp Genetics (formerly Invitae), Labcorp
Classification: Likely benign for Distal myopathy with posterior leg and anterior hand involvement; Myofibrillar myopathy 5; Hypertrophic cardiomyopathy 26. Last evaluated: 2026-01-27. Review status: criteria provided, single submitter. Criteria: Invitae Variant Classification Sherloc (09022015). Collection method: clinical testing. Allele origin: germline.

PreventionGenetics, part of Exact Sciences
Classification: Uncertain significance for FLNC-related condition. Last evaluated: 2025-05-01. Review status: criteria provided, single submitter. Criteria: ACMG Guidelines, 2015. Collection method: clinical testing. Allele origin: germline.
Comment: The FLNC c.1673G>T variant is predicted to result in the amino acid substitution p.Arg558Leu. To our knowledge, this variant has not been reported in the literature. This variant is reported in 0.023% of alleles in individuals of Latino descent in gnomAD. At this time, the clinical significance of this variant is uncertain due to the absence of conclusive functional and genetic evidence.

Molecular Diagnostic Laboratory for Inherited Cardiovascular Disease, Montreal Heart Institute
Classification: Uncertain significance for Cardiovascular phenotype. Last evaluated: 2025-04-09. Review status: criteria provided, single submitter. Criteria: ACMG Guidelines, 2015. Collection method: clinical testing. Allele origin: germline. Affected: yes.

Ambry Genetics
Classification: Uncertain significance for Cardiovascular phenotype. Last evaluated: 2024-03-05. Review status: criteria provided, single submitter. Criteria: Ambry Variant Classification Scheme 2023. Collection method: clinical testing. Allele origin: germline.
Comment: The p.R558L variant (also known as c.1673G>T), located in coding exon 10 of the FLNC gene, results from a G to T substitution at nucleotide position 1673. The arginine at codon 558 is replaced by leucine, an amino acid with dissimilar properties. This amino acid position is highly conserved in available vertebrate species. In addition, the in silico prediction for this alteration is inconclusive. Based on the available evidence, the clinical significance of this alteration remains unclear.

Revvity Omics, Revvity
Classification: Uncertain significance. Last evaluated: 2020-10-02. Review status: criteria provided, single submitter. Criteria: ACMG Guidelines, 2015. Collection method: clinical testing. Allele origin: germline.

NM_001458.5(FLNC):c.1673G>T (p.Arg558Leu)

Gene: FLNC (filamin C; plus strand). Cytogenetic location: 7q32.1.
Variant type: single nucleotide variant.
Coding change: c.1673G>T on transcript NM_001458.5 (MANE Select); coding-DNA position 1673, G replaced by T.
Protein change: p.Arg558Leu; replaces arginine 558 with leucine.
Molecular consequence: missense variant.
Genome position (GRCh38, 1-based): chr7:128,840,671, G>T. VCF-style: chr7-128840671-G-T. GRCh37 (hg19) VCF-style: chr7-128480725-G-T.
Other names: c.1673G>T, p.Arg558Leu (NM_001127487.2); short protein forms R558L.
Identifiers: ClinVar variation 836637 (VCV000836637.14), dbSNP rs776881635, ClinGen allele CA4474431.
Genomic context (GRCh38, chr7:128,840,671, plus strand): 5'-ACCCGGTGGTGCCTGGGAAGTATGTGGTGACCATCACGTGGGGCGGCTACGCCATCCCTC[G>T]CAGGTGAGTACCTTGCGCCCCCCATGCTGTCCTGTCTAGGCCATCACAGGGAGGGACGAG-3'
Protein context (NP_001449.3, residues 548-568): TITWGGYAIP[Arg558Leu]SPFEVQVSPE